The following is an entry in ClinVar:

ClinVar aggregate classification (germline): Uncertain significance (1 of 4 stars; one submission).

gnomAD v4.1: 4 of 1,600,630 alleles (0.00025%); highest among the groups gnomAD compares: Non-Finnish European, 0.00034%; no homozygotes.

Submission:

Ambry Genetics
Classification: Uncertain significance. Last evaluated: 2025-04-03. Review status: criteria provided, single submitter. Criteria: Ambry Variant Classification Scheme 2023. Collection method: clinical testing. Allele origin: germline.
Comment: The p.I399M variant (also known as c.1197A>G), located in coding exon 12 of the SRP72 gene, results from an A to G substitution at nucleotide position 1197. The isoleucine at codon 399 is replaced by methionine, an amino acid with highly similar properties. This amino acid position is conserved. In addition, the in silico prediction for this alteration is inconclusive. Based on the available evidence, the clinical significance of this variant remains unclear.

NM_006947.4(SRP72):c.1197A>G (p.Ile399Met)

Gene: SRP72 (signal recognition particle 72; plus strand). Cytogenetic location: 4q12.
Variant type: single nucleotide variant.
Coding change: c.1197A>G on transcript NM_006947.4 (MANE Select); coding-DNA position 1197, A replaced by G.
Protein change: p.Ile399Met; replaces isoleucine 399 with methionine.
Molecular consequence: missense variant. On other transcripts: non-coding transcript variant (1).
Genome position (GRCh38, 1-based): chr4:56,487,986, A>G. VCF-style: chr4-56487986-A-G. GRCh37 (hg19) VCF-style: chr4-57354152-A-G.
Other names: c.1014A>G, p.Ile338Met (NM_001267722.2); short protein forms I338M, I399M.
Identifiers: ClinVar variation 3962050 (VCV003962050.1).